The following is an entry in ClinVar:

ClinVar aggregate classification (germline): Conflicting classifications of pathogenicity. Review status: criteria provided, conflicting classifications (1 of 4 stars). 3 submissions from 3 submitters: Uncertain significance (2); Likely benign (1). Last evaluated 2025-04-24.

Conditions:
Neuromuscular disease caused by qualitative or quantitative defects of dysferlin. Also called: Dysferlinopathy; Qualitative or quantitative defects of dysferlin. Identifiers: Orphanet 207073, MedGen C2931687, MONDO:0016145.

Allele frequency attached by ClinVar (database versions not stated): ExAC 0.00005; gnomAD exomes 0.00011; gnomAD 0.00018; TOPMed 0.00024.
gnomAD v4.1: 283 of 1,551,562 alleles (0.018%); highest among the groups gnomAD compares: African/African-American, 0.029%; no homozygotes.

Submissions (3):

GeneDx
Classification: Uncertain significance. Last evaluated: 2025-04-24. Review status: criteria provided, single submitter. Criteria: GeneDx Variant Classification Process June 2021. Collection method: clinical testing. Allele origin: germline. Affected: yes.
Comment: In silico analysis indicates that this variant does not alter protein structure/function; Reported using an alternate transcript of the gene; This variant is associated with the following publications: (PMID: 30564623)

Labcorp Genetics (formerly Invitae), Labcorp
Classification: Likely benign for Neuromuscular disease caused by qualitative or quantitative defects of dysferlin. Last evaluated: 2023-09-08. Review status: criteria provided, single submitter. Criteria: Invitae Variant Classification Sherloc (09022015). Collection method: clinical testing. Allele origin: germline.

Eurofins Ntd Llc (ga)
Classification: Uncertain significance. Last evaluated: 2017-10-26. Review status: criteria provided, single submitter. Criteria: EGL Classification Definitions 2015. Collection method: clinical testing. Allele origin: germline. Observed: 3 variant alleles, 3 heterozygotes.

NM_001130987.2(DYSF):c.4474G>A (p.Gly1492Ser)

Gene: DYSF (dysferlin; plus strand). Cytogenetic location: 2p13.2.
Variant type: single nucleotide variant.
Coding change: c.4474G>A on transcript NM_001130987.2 (MANE Select); coding-DNA position 4474, G replaced by A.
Protein change: p.Gly1492Ser; replaces glycine 1492 with serine.
Molecular consequence: missense variant. On other transcripts: intron variant (8).
Genome position (GRCh38, 1-based): chr2:71,620,556, G>A. VCF-style: chr2-71620556-G-A. GRCh37 (hg19) VCF-style: chr2-71847686-G-A.
Other names: c.4378G>A, p.Gly1460Ser (NM_001130977.2); c.4420G>A, p.Gly1474Ser (NM_001130978.2); c.4471G>A, p.Gly1491Ser (NM_001130981.2); c.4423G>A, p.Gly1475Ser (NM_001130983.2); c.4381G>A, p.Gly1461Ser (NM_001130984.2); c.4503+7146G>A (NM_001130979.2); c.4461+7146G>A (NM_001130980.2); c.4410+7146G>A (NM_003494.4); and 5 more; short protein forms G1492S, G1474S, G1491S, G1460S, G1461S, G1475S.
Identifiers: ClinVar variation 285159 (VCV000285159.15), dbSNP rs766512164, ClinGen allele CA1707026.